The following is an entry in ClinVar:

NM_000157.4(GBA1):c.1138G>A (p.Ala380Thr)

Genes: GBA1 (glucosylceramidase beta 1; minus strand), LOC106627981 (GBA recombination region; plus strand). Cytogenetic location: 1q22.
Variant type: single nucleotide variant.
Coding change: c.1138G>A on transcript NM_000157.4 (MANE Select); coding-DNA position 1138, G replaced by A.
Protein change: p.Ala380Thr; replaces alanine 380 with threonine.
Molecular consequence: missense variant.
Genome position (GRCh38, 1-based): chr1:155,236,331, C>T on the plus strand (G>A on the coding strand, the complement: GBA1 is on the minus strand). VCF-style: chr1-155236331-C-T. GRCh37 (hg19) VCF-style: chr1-155206122-C-T.
Other names: c.1138G>A, p.Ala380Thr (NM_001005741.3, NM_001005742.3); c.877G>A, p.Ala293Thr (NM_001171811.2); c.991G>A, p.Ala331Thr (NM_001171812.2); short protein forms A293T, A331T, A380T.
Identifiers: ClinVar variation 2690606 (VCV002690606.3), dbSNP rs781306264, ClinGen allele CA1141612.

ClinVar aggregate classification (germline): Conflicting classifications of pathogenicity. Review status: criteria provided, conflicting classifications (1 of 4 stars). 2 submissions from 2 submitters: Likely pathogenic (1); Uncertain significance (1). Last evaluated 2025-02-18.

Allele frequency attached by ClinVar (database versions not stated): ExAC 0.00001.
gnomAD v4.1: 3 of 1,614,180 alleles (0.00019%); highest among the groups gnomAD compares: Non-Finnish European, 0.00017%; no homozygotes.

Submissions (2):

Women's Health and Genetics/Laboratory Corporation of America, LabCorp
Classification: Uncertain significance. Last evaluated: 2025-02-18. Review status: criteria provided, single submitter. Criteria: LabCorp Variant Classification Summary - May 2015. Collection method: clinical testing. Allele origin: germline.
Comment: Variant summary: GBA1 c.1138G>A (p.Ala380Thr) results in a non-conservative amino acid change located in the Glycosyl hydrolase family 30, TIM-barrel domain (IPR033453) of the encoded protein sequence. Five of five in-silico tools predict a damaging effect of the variant on protein function. The variant allele was found at a frequency of 1.9e-06 in 1614180 control chromosomes. c.1138G>A has been reported in the literature in compound heterozygous individuals affected with Gaucher Disease (Demina_1998, Venkatachari_2023). These data indicate that the variant may be associated with disease. To our knowledge, no experimental evidence demonstrating an impact on protein function has been reported. The following publications have been ascertained in the context of this evaluation (PMID: 9516376, 9554454, 36637080). ClinVar contains an entry for this variant (Variation ID: 2690606). Based on the evidence outlined above, the variant was classified as VUS-possibly pathogenic.

Revvity Omics, Revvity
Classification: Likely pathogenic. Last evaluated: 2023-05-05. Review status: criteria provided, single submitter. Criteria: ACMG Guidelines, 2015. Collection method: clinical testing. Allele origin: germline.

Literature cited by the submitters: PubMed 9516376 (cited by Women's Health and Genetics/Laboratory Corporation of America, LabCorp); PubMed 9554454 (cited by Women's Health and Genetics/Laboratory Corporation of America, LabCorp); PubMed 36637080 (cited by Women's Health and Genetics/Laboratory Corporation of America, LabCorp).